The following is an entry in ClinVar:

ClinVar aggregate classification (germline): Uncertain significance. Review status: criteria provided, multiple submitters, no conflicts (2 of 4 stars). 5 submissions from 5 submitters: Uncertain significance (5). Last evaluated 2025-12-05.

Conditions:
Cardiovascular phenotype. Identifiers: MedGen CN230736.
Myofibrillar myopathy 5. Also called: Filaminopathy (type); FILAMINOPATHY, AUTOSOMAL DOMINANT. Identifiers: Orphanet 171445, MedGen C1836050, MONDO:0012289, OMIM 609524.
Hypertrophic cardiomyopathy 26. Also called: Cardiomyopathy, familial hypertrophic, 26. Identifiers: Orphanet 75249, MedGen C4310749, MONDO:0014883, OMIM 617047.
Distal myopathy with posterior leg and anterior hand involvement. Also called: WILLIAMS DISTAL MYOPATHY. Identifiers: Orphanet 63273, MedGen C3279722, MONDO:0013550, OMIM 614065.

Allele frequency attached by ClinVar (database versions not stated): gnomAD exomes below 0.00001; TOPMed 0.00002; gnomAD 0.00005.
gnomAD v4.1: 64 of 1,613,960 alleles (0.004%); highest among the groups gnomAD compares: Admixed American, 0.0083%; no homozygotes.

Submissions (5):

Labcorp Genetics (formerly Invitae), Labcorp
Classification: Uncertain significance for Distal myopathy with posterior leg and anterior hand involvement; Myofibrillar myopathy 5; Hypertrophic cardiomyopathy 26. Last evaluated: 2025-12-05. Review status: criteria provided, single submitter. Criteria: Invitae Variant Classification Sherloc (09022015). Collection method: clinical testing. Allele origin: germline.
Comment: This sequence change replaces proline, which is neutral and non-polar, with leucine, which is neutral and non-polar, at codon 963 of the FLNC protein (p.Pro963Leu). This variant is present in population databases (no rsID available, gnomAD 0.0009%). This variant has not been reported in the literature in individuals affected with FLNC-related conditions. ClinVar contains an entry for this variant (Variation ID: 942456). Invitae Evidence Modeling of protein sequence and biophysical properties (such as structural, functional, and spatial information, amino acid conservation, physicochemical variation, residue mobility, and thermodynamic stability) has been performed for this missense variant. However, the output from this modeling did not meet the statistical confidence thresholds required to predict the impact of this variant on FLNC protein function. In summary, the available evidence is currently insufficient to determine the role of this variant in disease. Therefore, it has been classified as a Variant of Uncertain Significance.

Ambry Genetics
Classification: Uncertain significance for Cardiovascular phenotype. Last evaluated: 2025-09-18. Review status: criteria provided, single submitter. Criteria: Ambry Variant Classification Scheme 2023. Collection method: clinical testing. Allele origin: germline.
Comment: The p.P963L variant (also known as c.2888C>T), located in coding exon 19 of the FLNC gene, results from a C to T substitution at nucleotide position 2888. The proline at codon 963 is replaced by leucine, an amino acid with similar properties. This amino acid position is highly conserved in available vertebrate species. In addition, the in silico prediction for this alteration is inconclusive. Since supporting evidence is limited at this time, the clinical significance of this alteration remains unclear.

Blueprint Genetics
Classification: Uncertain significance. Last evaluated: 2024-07-24. Review status: criteria provided, single submitter. Criteria: ACMG Guidelines, 2015. Collection method: clinical testing. Allele origin: germline.

GeneDx
Classification: Uncertain significance. Last evaluated: 2023-01-18. Review status: criteria provided, single submitter. Criteria: GeneDx Variant Classification Process June 2021. Collection method: clinical testing. Allele origin: germline. Affected: yes.
Comment: Not observed at significant frequency in large population cohorts (gnomAD); In silico analysis supports that this missense variant has a deleterious effect on protein structure/function; Has not been previously published as pathogenic or benign to our knowledge

Revvity Omics, Revvity
Classification: Uncertain significance. Last evaluated: 2021-07-22. Review status: criteria provided, single submitter. Criteria: ACMG Guidelines, 2015. Collection method: clinical testing. Allele origin: germline.

NM_001458.5(FLNC):c.2888C>T (p.Pro963Leu)

Gene: FLNC (filamin C; plus strand). Cytogenetic location: 7q32.1.
Variant type: single nucleotide variant.
Coding change: c.2888C>T on transcript NM_001458.5 (MANE Select); coding-DNA position 2888, C replaced by T.
Protein change: p.Pro963Leu; replaces proline 963 with leucine.
Molecular consequence: missense variant.
Genome position (GRCh38, 1-based): chr7:128,843,872, C>T. VCF-style: chr7-128843872-C-T. GRCh37 (hg19) VCF-style: chr7-128483926-C-T.
Other names: c.2888C>T, p.Pro963Leu (NM_001127487.2); short protein forms P963L.
Identifiers: ClinVar variation 942456 (VCV000942456.17), dbSNP rs963838554, ClinGen allele CA166177207.
Genomic context (GRCh38, chr7:128,843,872, plus strand): 5'-CAGTGACTTATGGCGGGGACCCTGTCCCCAAGAGCCCCTTTGTGGTGAATGTGGCACCCC[C>T]GCTGGACCTCAGCAAAATCAAAGTTCAGGGCCTTAATAGCAGTAAGTGGGGCAAGAGCCA-3'
Protein context (NP_001449.3, residues 953-973): KSPFVVNVAP[Pro963Leu]LDLSKIKVQG